The following is an entry in ClinVar:

NM_003919.3(SGCE):c.1157C>G (p.Thr386Arg)

Genes: CASD1 (CAS1 domain sialic acid O acetyltransferase 1; plus strand), SGCE (sarcoglycan epsilon; minus strand). Cytogenetic location: 7q21.3.
Variant type: single nucleotide variant.
Coding change: c.1157C>G on transcript NM_003919.3 (MANE Select); coding-DNA position 1157, C replaced by G.
Protein change: p.Thr386Arg; replaces threonine 386 with arginine.
Molecular consequence: missense variant.
Genome position (GRCh38, 1-based): chr7:94,598,871, G>C on the plus strand (C>G on the coding strand, the complement: SGCE is on the minus strand). VCF-style: chr7-94598871-G-C. GRCh37 (hg19) VCF-style: chr7-94228183-G-C.
Other names: c.1130C>G, p.Thr377Arg (NM_001099400.2, NM_001346717.2); c.1157C>G, p.Thr386Arg (NM_001099401.2); c.1034C>G, p.Thr345Arg (NM_001301139.2); c.1265C>G, p.Thr422Arg (NM_001346713.2); c.1238C>G, p.Thr413Arg (NM_001346715.2); c.1070C>G, p.Thr357Arg (NM_001346719.2); c.884C>G, p.Thr295Arg (NM_001346720.2); c.1043C>G, p.Thr348Arg (NM_001362807.2); and 2 more; short protein forms T357R, T348R, T336R, T345R, T377R, T386R, T422R, T286R.
Identifiers: ClinVar variation 653647 (VCV000653647.53), dbSNP rs370800943, ClinGen allele CA4348615.

ClinVar aggregate classification (germline): Uncertain significance. Review status: criteria provided, multiple submitters, no conflicts (2 of 4 stars). 5 submissions from 5 submitters: Uncertain significance (5). Last evaluated 2026-01-12.

Conditions:
Inborn genetic diseases. Identifiers: MedGen C0950123, MeSH D030342.
Myoclonic dystonia 11 (DYT11). Also called: Myoclonic dystonia; Dystonia 11; Dystonia, alcohol responsive; Hereditary essential myoclonus; DYT-SGCE; SGCE Myoclonus-Dystonia. Identifiers: Orphanet 36899, MedGen C1834570, MONDO:0008044, OMIM 159900.

Allele frequency attached by ClinVar (database versions not stated): TOPMed 0.00011.
gnomAD v4.1: 67 of 1,612,094 alleles (0.0042%); highest among the groups gnomAD compares: Middle Eastern, 0.066%; no homozygotes.

Submissions (5):

Labcorp Genetics (formerly Invitae), Labcorp
Classification: Uncertain significance for Myoclonic dystonia 11. Last evaluated: 2026-01-12. Review status: criteria provided, single submitter. Criteria: Invitae Variant Classification Sherloc (09022015). Collection method: clinical testing. Allele origin: germline.
Comment: This sequence change replaces threonine, which is neutral and polar, with arginine, which is basic and polar, at codon 386 of the SGCE protein (p.Thr386Arg). This variant is present in population databases (rs370800943, gnomAD 0.009%). This variant has not been reported in the literature in individuals affected with SGCE-related conditions. ClinVar contains an entry for this variant (Variation ID: 653647). Invitae Evidence Modeling of protein sequence and biophysical properties (such as structural, functional, and spatial information, amino acid conservation, physicochemical variation, residue mobility, and thermodynamic stability) indicates that this missense variant is not expected to disrupt SGCE protein function with a negative predictive value of 80%. In summary, the available evidence is currently insufficient to determine the role of this variant in disease. Therefore, it has been classified as a Variant of Uncertain Significance.

Women's Health and Genetics/Laboratory Corporation of America, LabCorp
Classification: Uncertain significance. Last evaluated: 2025-01-24. Review status: criteria provided, single submitter. Criteria: LabCorp Variant Classification Summary - May 2015. Collection method: clinical testing. Allele origin: germline.
Comment: Variant summary: SGCE c.1157C>G (p.Thr386Arg) results in a non-conservative amino acid change in the encoded protein sequence. Five of five in-silico tools predict a damaging effect of the variant on protein function. The variant allele was found at a frequency of 4.8e-05 in 251210 control chromosomes. This frequency is not significantly higher than estimated for a pathogenic variant in SGCE causing Myoclonic Dystonia 11, allowing no conclusion about variant significance. To our knowledge, no occurrence of c.1157C>G in individuals affected with Myoclonic Dystonia 11 and no experimental evidence demonstrating its impact on protein function have been reported. ClinVar contains an entry for this variant (Variation ID: 653647). Based on the evidence outlined above, the variant was classified as uncertain significance.

Ambry Genetics
Classification: Uncertain significance for Inborn genetic diseases. Last evaluated: 2023-12-17. Review status: criteria provided, single submitter. Criteria: Ambry Variant Classification Scheme 2023. Collection method: clinical testing. Allele origin: germline.

Revvity Omics, Revvity
Classification: Uncertain significance for Myoclonic dystonia 11. Last evaluated: 2023-04-01. Review status: criteria provided, single submitter. Criteria: ACMG Guidelines, 2015. Collection method: clinical testing. Allele origin: germline.

CeGaT Center for Human Genetics Tuebingen
Classification: Uncertain significance. Last evaluated: 2020-04-01. Review status: criteria provided, single submitter. Criteria: CeGaT Center For Human Genetics Tuebingen Variant Classification Criteria Version 2. Collection method: clinical testing. Allele origin: germline. Affected: yes. Observed: 1 variant allele.